The following is an entry in ClinVar:

NM_000271.5(NPC1):c.464-1G>A

Gene: NPC1 (NPC intracellular cholesterol transporter 1; minus strand). Cytogenetic location: 18q11.2.
Variant type: single nucleotide variant.
Coding change: c.464-1G>A on transcript NM_000271.5 (MANE Select); the canonical splice acceptor site of the intron before coding-DNA position 464, G replaced by A.
Molecular consequence: splice acceptor variant.
Genome position (GRCh38, 1-based): chr18:23,561,528, C>T on the plus strand (G>A on the coding strand, the complement: NPC1 is on the minus strand). VCF-style: chr18-23561528-C-T. GRCh37 (hg19) VCF-style: chr18-21141492-C-T.
Identifiers: ClinVar variation 5004897 (VCV005004897.1).

ClinVar aggregate classification (germline): Likely pathogenic (1 of 4 stars; one submission).

Conditions:
Niemann-Pick disease, type C1. Also called: NEUROVISCERAL STORAGE DISEASE WITH VERTICAL SUPRANUCLEAR OPHTHALMOPLEGIA; NIEMANN-PICK DISEASE WITH CHOLESTEROL ESTERIFICATION BLOCK; NIEMANN-PICK DISEASE WITHOUT SPHINGOMYELINASE DEFICIENCY; NIEMANN-PICK DISEASE, CHRONIC NEURONOPATHIC FORM; NIEMANN-PICK DISEASE, VARIANT TYPE C1. Identifiers: Orphanet 646, MedGen C3179455, MONDO:0009757, OMIM 257220.

Submission:

Myriad Genetics, Inc.
Classification: Likely pathogenic for Niemann-Pick disease, type C1. Last evaluated: 2026-08-21. Review status: criteria provided, single submitter. Criteria: Myriad Autosomal Dominant, Autosomal Recessive and X-Linked Classification Criteria (2023). Collection method: clinical testing. Allele origin: unknown.
Comment: NM_000271.4(NPC1):c.464-1G>A is a variant in a canonical splice site classified as likely pathogenic in the context of Niemann-Pick disease type C1. c.464-1G>A has not been observed in cases with relevant disease. Relevant functional assessments of this variant are not available in the literature. Internal structural analysis of the variant is supportive of pathogenicity. c.464-1G>A has not been observed in referenced population frequency databases. In summary, NM_000271.4(NPC1):c.464-1G>A is a variant in a canonical splice site in a gene where loss of function is a known mechanism of disease and is predicted to disrupt protein function. Please note: this variant was assessed in the context of healthy population screening.